The following is an entry in ClinVar:

NM_017534.6(MYH2):c.3361A>C (p.Ile1121Leu)

Genes: MYHAS (myosin heavy chain gene cluster antisense RNA; plus strand), MYH2 (myosin heavy chain 2; minus strand). Cytogenetic location: 17p13.1.
Variant type: single nucleotide variant.
Coding change: c.3361A>C on transcript NM_017534.6 (MANE Select); coding-DNA position 3361, A replaced by C.
Protein change: p.Ile1121Leu; replaces isoleucine 1121 with leucine.
Molecular consequence: missense variant.
Genome position (GRCh38, 1-based): chr17:10,529,073, T>G on the plus strand (A>C on the coding strand, the complement: MYH2 is on the minus strand). VCF-style: chr17-10529073-T-G. GRCh37 (hg19) VCF-style: chr17-10432390-T-G.
Other names: c.3361A>C, p.Ile1121Leu (NM_001100112.2); short protein forms I1121L.
Identifiers: ClinVar variation 1163412 (VCV001163412.9), dbSNP rs767581337, ClinGen allele CA8390915.

ClinVar aggregate classification (germline): Uncertain significance. Review status: criteria provided, multiple submitters, no conflicts (2 of 4 stars). 3 submissions from 3 submitters: Uncertain significance (3). Last evaluated 2025-01-23.

Conditions:
Myopathy, proximal, and ophthalmoplegia (CMYO6). Also called: CONGENITAL MYOPATHY 6 WITH OPHTHALMOPLEGIA; MYOPATHY WITH CONGENITAL JOINT CONTRACTURES, OPHTHALMOPLEGIA, AND RIMMED VACUOLES; INCLUSION BODY MYOPATHY 3, AUTOSOMAL DOMINANT. Identifiers: Orphanet 363677, Orphanet 79091, MedGen C1854106, MONDO:0011577, OMIM 605637.
Inborn genetic diseases. Identifiers: MedGen C0950123, MeSH D030342.

Allele frequency attached by ClinVar (database versions not stated): ExAC 0.00002; gnomAD exomes 0.00002.
gnomAD v4.1: 67 of 1,614,104 alleles (0.0042%); highest among the groups gnomAD compares: Non-Finnish European, 0.0047%; no homozygotes.

Submissions (3):

Ambry Genetics
Classification: Uncertain significance for Inborn genetic diseases. Last evaluated: 2025-01-23. Review status: criteria provided, single submitter. Criteria: Ambry Variant Classification Scheme 2023. Collection method: clinical testing. Allele origin: germline.

Labcorp Genetics (formerly Invitae), Labcorp
Classification: Uncertain significance for Myopathy, proximal, and ophthalmoplegia. Last evaluated: 2024-04-05. Review status: criteria provided, single submitter. Criteria: Invitae Variant Classification Sherloc (09022015). Collection method: clinical testing. Allele origin: germline.
Comment: This sequence change replaces isoleucine, which is neutral and non-polar, with leucine, which is neutral and non-polar, at codon 1121 of the MYH2 protein (p.Ile1121Leu). This variant is present in population databases (rs767581337, gnomAD 0.005%). This variant has not been reported in the literature in individuals affected with MYH2-related conditions. ClinVar contains an entry for this variant (Variation ID: 1163412). Advanced modeling of protein sequence and biophysical properties (such as structural, functional, and spatial information, amino acid conservation, physicochemical variation, residue mobility, and thermodynamic stability) performed at Invitae indicates that this missense variant is not expected to disrupt MYH2 protein function with a negative predictive value of 80%. In summary, the available evidence is currently insufficient to determine the role of this variant in disease. Therefore, it has been classified as a Variant of Uncertain Significance.

Mayo Clinic Laboratories, Mayo Clinic
Classification: Uncertain significance. Last evaluated: 2020-03-23. Review status: criteria provided, single submitter. Criteria: ACMG Guidelines, 2015. Collection method: clinical testing. Allele origin: germline. Observed: 1 variant allele.